The following is an entry in ClinVar:

ClinVar aggregate classification (germline): Benign. Review status: criteria provided, multiple submitters, no conflicts (2 of 4 stars). 3 submissions from 2 submitters: Benign (3). Last evaluated 2018-01-13.

Conditions:
3-Methylglutaconic aciduria type 3 (MGCA3). Also called: OPA3, AUTOSOMAL RECESSIVE; OPTIC ATROPHY 3, AUTOSOMAL RECESSIVE; Costeff Syndrome; OPA3-Related 3-Methylglutaconic Aciduria. Identifiers: Orphanet 67047, MedGen C0574084, MONDO:0009787, OMIM 258501.
Optic atrophy 3 (OPA3). Also called: OPTIC ATROPHY 3, AUTOSOMAL DOMINANT; Optic atrophy, cataract, and neurologic disorder; Optic atrophy 3 with cataract. Identifiers: Orphanet 67036, MedGen C1833809, MONDO:0008133, OMIM 165300.

Allele frequency attached by ClinVar (database versions not stated): gnomAD exomes 0.01729; gnomAD 0.08458 and 0.08874; TOPMed 0.09335; 1000 Genomes Project 0.10643; 1000 Genomes Project 30x 0.10915.
gnomAD v4.1: 27,547 of 985,236 alleles (2.8%); highest among the groups gnomAD compares: African/African-American, 26%; 2,127 homozygotes.

Submissions (3):

Illumina Laboratory Services, Illumina
Classification: Benign for 3-Methylglutaconic aciduria type 3. Last evaluated: 2018-01-13. Review status: criteria provided, single submitter. Criteria: ICSL Variant Classification Criteria 13 December 2019. Collection method: clinical testing. Allele origin: germline.
Comment: This variant was observed in the ICSL laboratory as part of a predisposition screen in an ostensibly healthy population. It had not been previously curated by ICSL or reported in the Human Gene Mutation Database (HGMD: prior to June 1st, 2018), and was therefore a candidate for classification through an automated scoring system. Utilizing variant allele frequency, disease prevalence and penetrance estimates, and inheritance mode, an automated score was calculated to assess if this variant is too frequent to cause the disease. Based on the score and internal cut-off values, a variant classified as benign is not then subjected to further curation. The score for this variant resulted in a classification of benign for this disease.

Illumina Laboratory Services, Illumina
Classification: Benign for Optic atrophy 3. Last evaluated: 2018-01-13. Review status: criteria provided, single submitter. Criteria: ICSL Variant Classification Criteria 13 December 2019. Collection method: clinical testing. Allele origin: germline.
Comment: the same text as in the submission from Illumina Laboratory Services, Illumina above.

Breakthrough Genomics
Classification: Benign. Review status: criteria provided, single submitter. Criteria: ACMG Guidelines, 2015. Collection method: not provided. Allele origin: germline. Inheritance: Autosomal recessive inheritance. Affected: yes.

NM_025136.4(OPA3):c.*3722G>A

Genes: OPA3 (outer mitochondrial membrane lipid metabolism regulator OPA3; minus strand), OPA3-RTN2 (OPA3-RTN2 readthrough; minus strand). Cytogenetic location: 19q13.32.
Variant type: single nucleotide variant.
Coding change: c.*3722G>A on transcript NM_025136.4 (MANE Select); 3722 bases downstream of the stop codon, G replaced by A.
Molecular consequence: 3 prime UTR variant. On other transcripts: intron variant (1).
Genome position (GRCh38, 1-based): chr19:45,549,792, C>T on the plus strand (G>A on the coding strand, the complement: OPA3 is on the minus strand). VCF-style: chr19-45549792-C-T. GRCh37 (hg19) VCF-style: chr19-46053050-C-T.
Other names: c.143-20336G>A (NM_001017989.3).
Identifiers: ClinVar variation 329620 (VCV000329620.6), dbSNP rs73568973, ClinGen allele CA10652574.
Genomic context (GRCh38, chr19:45,549,792, plus strand): 5'-GGCCTCTCAAAGTGCTGGGATGACAGGCGTGAGCTGGCCTGGGTCACTCCCAGTTTTAAA[C>T]ACAGCCCACTCAGGACCCACTCGGTCAGTTCCCTCTGCTCCAGCTTCTCCCCCTCTTCCA-3'